The following is an entry in ClinVar:

NM_003640.5(ELP1):c.1854+283G>T

Gene: ELP1 (elongator acetyltransferase complex subunit 1; minus strand). Cytogenetic location: 9q31.3.
Variant type: single nucleotide variant.
Coding change: c.1854+283G>T on transcript NM_003640.5 (MANE Select); 283 bases into the intron after coding-DNA position 1854, G replaced by T.
Molecular consequence: intron variant.
Genome position (GRCh38, 1-based): chr9:108,902,556, C>A on the plus strand (G>T on the coding strand, the complement: ELP1 is on the minus strand). VCF-style: chr9-108902556-C-A. GRCh37 (hg19) VCF-style: chr9-111664836-C-A.
Other names: c.1512+283G>T (NM_001318360.2); c.807+283G>T (NM_001330749.2).
Identifiers: ClinVar variation 683632 (VCV000683632.1), dbSNP rs10759327, ClinGen allele CA197538263.

ClinVar aggregate classification (germline): Benign (1 of 4 stars; one submission).

Allele frequency attached by ClinVar (database versions not stated): gnomAD 0.48253 and 0.48270; TOPMed 0.48976; 1000 Genomes Project 0.49840; 1000 Genomes Project 30x 0.50062.
gnomAD v4.1: 73,318 of 151,986 alleles (48%); highest among the groups gnomAD compares: East Asian, 59%; 17,985 homozygotes.

Submission:

GeneDx
Classification: Benign. Last evaluated: 2018-06-19. Review status: criteria provided, single submitter. Criteria: GeneDx Variant Classification (06012015). Collection method: clinical testing. Allele origin: germline. Affected: yes.
Comment: This variant is considered likely benign or benign based on one or more of the following criteria: it is a conservative change, it occurs at a poorly conserved position in the protein, it is predicted to be benign by multiple in silico algorithms, and/or has population frequency not consistent with disease.